The following is an entry in ClinVar:

NM_000179.3(MSH6):c.3264C>T (p.Phe1088=)

Gene: MSH6 (mutS homolog 6; plus strand). Cytogenetic location: 2p16.3.
Variant type: single nucleotide variant.
Coding change: c.3264C>T on transcript NM_000179.3 (MANE Select); coding-DNA position 3264, C replaced by T.
Protein change: p.Phe1088=; no amino-acid change (phenylalanine 1088 retained).
Molecular consequence: synonymous variant.
Genome position (GRCh38, 1-based): chr2:47,803,511, C>T. VCF-style: chr2-47803511-C-T. GRCh37 (hg19) VCF-style: chr2-48030650-C-T.
Other names: p.F1088F:TTC>TTT; c.2874C>T, p.Phe958= (NM_001281492.2); c.2358C>T, p.Phe786= (NM_001281493.2, NM_001281494.2).
Identifiers: ClinVar variation 182667 (VCV000182667.29), dbSNP rs35621414, ClinGen allele CA012364.

ClinVar aggregate classification (germline): Benign/Likely benign. Review status: criteria provided, multiple submitters, no conflicts (2 of 4 stars). 10 submissions from 10 submitters: Benign (4); Likely benign (6). Last evaluated 2026-01-12.

Conditions:
Hereditary nonpolyposis colorectal neoplasms. Identifiers: MedGen C0009405, MeSH D003123.
Hereditary cancer-predisposing syndrome. Also called: Tumor predisposition; Neoplastic Syndromes, Hereditary; Hereditary neoplastic syndrome; Hereditary Cancer Syndrome. Identifiers: Orphanet 140162, MedGen C0027672, MeSH D009386, MONDO:0015356.
Lynch syndrome. Identifiers: Orphanet 144, MedGen C4552100, MONDO:0005835. Disease mechanism: loss of function.
Lynch syndrome 5 (LYNCH5). Also called: Colorectal cancer, hereditary nonpolyposis, type 5; Hereditary non-polyposis colorectal cancer, type 5. Identifiers: Orphanet 144, MedGen C1833477, MONDO:0013710, OMIM 614350. Disease mechanism: loss of function.

Allele frequency attached by ClinVar (database versions not stated): gnomAD exomes 0.00008; ExAC 0.00009; 1000 Genomes Project 30x 0.00031; TOPMed 0.00039; 1000 Genomes Project 0.00040.
gnomAD v4.1: 103 of 1,614,122 alleles (0.0064%); highest among the groups gnomAD compares: African/African-American, 0.12%; no homozygotes.

Submissions (10):

Labcorp Genetics (formerly Invitae), Labcorp
Classification: Benign for Hereditary nonpolyposis colorectal neoplasms. Last evaluated: 2026-01-12. Review status: criteria provided, single submitter. Criteria: Invitae Variant Classification Sherloc (09022015). Collection method: clinical testing. Allele origin: germline.

Myriad Genetics, Inc.
Classification: Benign for Lynch syndrome 5. Last evaluated: 2025-01-06. Review status: criteria provided, single submitter. Criteria: Myriad Autosomal Dominant, Autosomal Recessive and X-Linked Classification Criteria (2023). Collection method: clinical testing. Allele origin: unknown.
Comment: This variant is considered benign. This variant is a silent/synonymous amino acid change and it is not expected to impact splicing.

Department of Pathology and Laboratory Medicine, Sinai Health System
Classification: Likely benign for Lynch syndrome. Last evaluated: 2022-08-25. Review status: criteria provided, single submitter. Criteria: ACMG Guidelines, 2015. Collection method: clinical testing. Allele origin: germline. Affected: yes.

Blueprint Genetics
Classification: Likely benign. Last evaluated: 2022-08-08. Review status: criteria provided, single submitter. Criteria: ACMG Guidelines, 2015. Collection method: clinical testing. Allele origin: germline.

Sema4
Classification: Likely benign for Hereditary cancer-predisposing syndrome. Last evaluated: 2020-12-15. Review status: criteria provided, single submitter. Criteria: Sema4 Curation Guidelines. Collection method: curation. Allele origin: germline.

Genetic Services Laboratory, University of Chicago
Classification: Likely benign. Last evaluated: 2020-10-16. Review status: criteria provided, single submitter. Criteria: ACMG Guidelines, 2015. Collection method: clinical testing. Allele origin: germline. Affected: no.

Quest Diagnostics Nichols Institute San Juan Capistrano
Classification: Benign. Last evaluated: 2019-06-19. Review status: criteria provided, single submitter. Criteria: Quest Diagnostics criteria. Collection method: clinical testing. Allele origin: germline.

Color Diagnostics, LLC DBA Color Health
Classification: Likely benign for Hereditary cancer-predisposing syndrome. Last evaluated: 2015-09-30. Review status: criteria provided, single submitter. Criteria: ACMG Guidelines, 2015. Collection method: clinical testing. Allele origin: germline.

Ambry Genetics
Classification: Likely benign for Hereditary cancer-predisposing syndrome. Last evaluated: 2014-12-17. Review status: criteria provided, single submitter. Criteria: Ambry Variant Classification Scheme 2023. Collection method: clinical testing. Allele origin: germline.

GeneDx
Classification: Benign. Last evaluated: 2014-08-08. Review status: criteria provided, single submitter. Criteria: GeneDx Variant Classification (06012015). Collection method: clinical testing. Allele origin: germline. Affected: yes.
Comment: This variant is considered likely benign or benign based on one or more of the following criteria: it is a conservative change, it occurs at a poorly conserved position in the protein, it is predicted to be benign by multiple in silico algorithms, and/or has population frequency not consistent with disease.